The following is an entry in ClinVar:

NM_004336.5(BUB1):c.1787G>A (p.Ser596Asn)

Gene: BUB1 (BUB1 mitotic checkpoint serine/threonine kinase; minus strand). Cytogenetic location: 2q13.
Variant type: single nucleotide variant.
Coding change: c.1787G>A on transcript NM_004336.5 (MANE Select); coding-DNA position 1787, G replaced by A.
Protein change: p.Ser596Asn; replaces serine 596 with asparagine.
Molecular consequence: missense variant.
Genome position (GRCh38, 1-based): chr2:110,655,828, C>T on the plus strand (G>A on the coding strand, the complement: BUB1 is on the minus strand). VCF-style: chr2-110655828-C-T. GRCh37 (hg19) VCF-style: chr2-111413405-C-T.
Other names: c.1727G>A, p.Ser576Asn (NM_001278616.2); c.1787G>A, p.Ser596Asn (NM_001278617.2); short protein forms S576N, S596N.
Identifiers: ClinVar variation 3262121 (VCV003262121.1).
Genomic context (GRCh38, chr2:110,655,828, plus strand): 5'-ACTGGAAGCTTGTGGAATGGTGTAGACGCAAGTTGTGCAGCAGATGTGAAGTCTCCTGGG[C>T]TCTTAGGACTGGGTGCCAGGGTTTTGTTGCAGCGAATACCCCATACAGTTGAGTCATCCA-3'
Protein context (NP_004327.1, residues 586-606): CNKTLAPSPK[Ser596Asn]PGDFTSAAQL

ClinVar aggregate classification (germline): Uncertain significance (1 of 4 stars; one submission).

Submission:

Ambry Genetics
Classification: Uncertain significance. Last evaluated: 2024-06-21. Review status: criteria provided, single submitter. Criteria: Ambry Variant Classification Scheme 2023. Collection method: clinical testing. Allele origin: germline.
Comment: The p.S596N variant (also known as c.1787G>A), located in coding exon 16 of the BUB1 gene, results from a G to A substitution at nucleotide position 1787. The serine at codon 596 is replaced by asparagine, an amino acid with highly similar properties. This amino acid position is conserved. In addition, this alteration is predicted to be tolerated by in silico analysis. Based on the available evidence, the clinical significance of this variant remains unclear.